The following is an entry in ClinVar:

ClinVar aggregate classification (germline): Pathogenic (0 of 4 stars; one submission).

Submission:

Quest Diagnostics Nichols Institute San Juan Capistrano
Classification: Pathogenic. Last evaluated: 2021-01-04. Review status: no assertion criteria provided. Collection method: clinical testing. Allele origin: germline.
Comment: This terminal deletion of 7q36.1q36.3 resulting in partial monosomy of distal 7q involves numerous OMIM genes, including SHH (OMIM 600725), MNX1 (OMIM 142994), KCNH2 (OMIM 152427), and KMT2C (OMIM 606833), and is expected to cause phenotypic and/or developmental abnormalities. Patients with distal 7q deletions between 7q32 and 7q36.3 have featured phenotypes, including holoprosencephaly, microcephaly, developmental delay, intellectual disability, cranial-facial anomalies, coloboma and other eye morbidities, axial and appendicular skeletal malformations, and renal/pulmonary malformation (Jackson et al., Am J Med Genet A. 2017 Jul;173(7):1858-1865. PMID: 28488400; Busa et al., Eur J Med Genet. 2016 Oct;59(10):546-8. PMID: 27614115; Busa et al., Eur J Med Genet. 2016 Oct;59(10):546-8. PMID: 27614115). There are developmental phenotypic differences depending on the involved genes; Variable expressivity and reduced penetrance have also been reported. Critical candidate genes, including SHH, MNX1, and KCNH2, lie within the current deleted interval. Furthermore, haploinsufficiency of SHH and MNX1 are associated with holopresencephaly-3 (OMIM 142945) and Currarino syndrome (OMIM 176450), respectively. Haploinsufficiency of KCNH2 and KMT2C are associated with long QT syndrome 2 (OMIM 152427) and Kleefstra syndrome 2 (OMIM 606833), respectively. This large copy number loss also includes genes associated with other autosomal dominant OMIM phenotypes, including SHH (OMIM 611638 and 147250), DPP6 (OMIM 612956), ASB10 (OMIM 603383), PRKAG2 (OMIM 600858, 261740, 194200), LMBR1 (OMIM 188740, 135750, 186200, 174500), and DNAJB6 (OMIM 603511).

GRCh37/hg19 7q36.1-36.3(chr7:148695373-159119707)x1

Genes: ABCB8 (ATP binding cassette subfamily B member 8; plus strand), ABCF2 (ATP binding cassette subfamily F member 2; minus strand), ACTR3B (actin related protein 3B; plus strand), ACTR3C (actin related protein 3C; minus strand), AGAP3 (ArfGAP with GTPase domain, ankyrin repeat and PH domain 3; plus strand) and 69 more. Cytogenetic location: 7q36.1-36.3.
Variant type: copy number loss.
Change: copy number 1 (one copy instead of two) of chr7:148,695,373-159,119,707 (10.42 Mb, GRCh37 coordinates, 1-based), cytogenetic band 7q36.1-36.3.
Identifiers: ClinVar variation 1340055 (VCV001340055.1).